The following is an entry in ClinVar:

ClinVar aggregate classification (germline): Likely benign (1 of 4 stars; one submission).

Allele frequency attached by ClinVar (database versions not stated): TOPMed 0.00099; gnomAD exomes 0.00102; ESP Exome Variant Server 0.00108; ExAC 0.00124; gnomAD 0.00126; 1000 Genomes Project 30x 0.00141; 1000 Genomes Project 0.00160.
gnomAD v4.1: 1,671 of 1,603,250 alleles (0.1%); highest among the groups gnomAD compares: African/African-American, 0.19%; 3 homozygotes.

Submission:

CeGaT Center for Human Genetics Tuebingen
Classification: Likely benign. Last evaluated: 2022-06-01. Review status: criteria provided, single submitter. Criteria: CeGaT Center For Human Genetics Tuebingen Variant Classification Criteria Version 2. Collection method: clinical testing. Allele origin: germline. Affected: yes. Observed: 1 variant allele.
Comment: CSPG4: BP4, BP7

NM_001897.5(CSPG4):c.1956C>G (p.Ala652=)

Gene: CSPG4 (chondroitin sulfate proteoglycan 4; minus strand). Cytogenetic location: 15q24.2.
Variant type: single nucleotide variant.
Coding change: c.1956C>G on transcript NM_001897.5 (MANE Select); coding-DNA position 1956, C replaced by G.
Protein change: p.Ala652=; no amino-acid change (alanine 652 retained).
Molecular consequence: synonymous variant.
Genome position (GRCh38, 1-based): chr15:75,689,109, G>C on the plus strand (C>G on the coding strand, the complement: CSPG4 is on the minus strand). VCF-style: chr15-75689109-G-C. GRCh37 (hg19) VCF-style: chr15-75981450-G-C.
Identifiers: ClinVar variation 2645576 (VCV002645576.24), dbSNP rs141434179, ClinGen allele CA7670461.
Genomic context (GRCh38, chr15:75,689,109, plus strand): 5'-TCGCAACCCTGTGCTGCGGTGGATCTGTATGGCCGGCCGGATGGCCACCACCTTCAGCGT[G>C]GCCGGGGGGCTGGCCTGCAGTCCATCGCTGACCCGGAACGTCAAGTCCTGTGCAGGACCA-3'
Protein context (NP_001888.2, residues 642-662): VSDGLQASPP[Ala652=]TLKVVAIRPA